The following is an entry in ClinVar:

ClinVar aggregate classification (germline): Conflicting classifications of pathogenicity. Review status: criteria provided, conflicting classifications (1 of 4 stars). 4 submissions from 4 submitters: Uncertain significance (1); Likely benign (3). Last evaluated 2025-01-23.

Conditions:
Progressive sclerosing poliodystrophy (MTDPS4A). Also called: Alpers-Huttenlocher Syndrome (AHS); ALPERS PROGRESSIVE INFANTILE POLIODYSTROPHY; Mitochondrial DNA Depletion Syndrome 4A; Mitochondrial DNA depletion syndrome 4A (Alpers type); NEURONAL DEGENERATION OF CHILDHOOD WITH LIVER DISEASE, PROGRESSIVE; Alpers Syndrome. Identifiers: Orphanet 726, MedGen C0205710, MONDO:0008758, OMIM 203700.

Allele frequency attached by ClinVar (database versions not stated): ExAC 0.00001; TOPMed 0.00001.

Submissions (4):

Labcorp Genetics (formerly Invitae), Labcorp
Classification: Likely benign for Progressive sclerosing poliodystrophy. Last evaluated: 2025-01-23. Review status: criteria provided, single submitter. Criteria: Invitae Variant Classification Sherloc (09022015). Collection method: clinical testing. Allele origin: germline.

Women's Health and Genetics/Laboratory Corporation of America, LabCorp
Classification: Likely benign. Last evaluated: 2024-11-14. Review status: criteria provided, single submitter. Criteria: LabCorp Variant Classification Summary - May 2015. Collection method: clinical testing. Allele origin: germline.

GeneDx
Classification: Likely benign. Last evaluated: 2017-09-07. Review status: criteria provided, single submitter. Criteria: GeneDx Variant Classification (06012015). Collection method: clinical testing. Allele origin: germline. Affected: yes.
Comment: This variant is considered likely benign or benign based on one or more of the following criteria: it is a conservative change, it occurs at a poorly conserved position in the protein, it is predicted to be benign by multiple in silico algorithms, and/or has population frequency not consistent with disease.

Eurofins Ntd Llc (ga)
Classification: Uncertain significance. Last evaluated: 2017-01-17. Review status: criteria provided, single submitter. Criteria: EGL Classification Definitions 2015. Collection method: clinical testing. Allele origin: germline. Observed: 1 variant allele, 1 heterozygote.

NM_002693.3(POLG):c.1950-10C>T

Gene: POLG (DNA polymerase gamma, catalytic subunit; minus strand). Cytogenetic location: 15q26.1.
Variant type: single nucleotide variant.
Coding change: c.1950-10C>T on transcript NM_002693.3 (MANE Select); 10 bases into the intron before coding-DNA position 1950, C replaced by T.
Molecular consequence: intron variant.
Genome position (GRCh38, 1-based): chr15:89,324,237, G>A on the plus strand (C>T on the coding strand, the complement: POLG is on the minus strand). VCF-style: chr15-89324237-G-A. GRCh37 (hg19) VCF-style: chr15-89867468-G-A.
Other names: c.1950-10C>T (NM_001126131.2).
Identifiers: ClinVar variation 499524 (VCV000499524.9), dbSNP rs749522324, ClinGen allele CA7724637.